The following is an entry in ClinVar:

ClinVar aggregate classification (germline): Conflicting classifications of pathogenicity. Review status: criteria provided, conflicting classifications (1 of 4 stars). 2 submissions from 2 submitters: Uncertain significance (1); Likely benign (1). Last evaluated 2025-09-23.

Allele frequency attached by ClinVar (database versions not stated): gnomAD exomes 0.00002 and 0.00016; TOPMed 0.00005; ExAC 0.00015; gnomAD 0.00006.
gnomAD v4.1: 39 of 1,613,806 alleles (0.0024%); highest among the groups gnomAD compares: East Asian, 0.06%; no homozygotes.

Submissions (2):

Labcorp Genetics (formerly Invitae), Labcorp
Classification: Likely benign. Last evaluated: 2025-09-23. Review status: criteria provided, single submitter. Criteria: Invitae Variant Classification Sherloc (09022015). Collection method: clinical testing. Allele origin: germline.

GeneDx
Classification: Uncertain significance. Last evaluated: 2021-04-05. Review status: criteria provided, single submitter. Criteria: GeneDx Variant Classification Process June 2021. Collection method: clinical testing. Allele origin: germline. Affected: yes.
Comment: In silico analysis supports that this missense variant does not alter protein structure/function; Has not been previously published as pathogenic or benign to our knowledge

NM_003737.4(DCHS1):c.5363G>A (p.Arg1788His)

Gene: DCHS1 (dachsous cadherin-related 1; minus strand). Cytogenetic location: 11p15.4.
Variant type: single nucleotide variant.
Coding change: c.5363G>A on transcript NM_003737.4 (MANE Select); coding-DNA position 5363, G replaced by A.
Protein change: p.Arg1788His; replaces arginine 1788 with histidine.
Molecular consequence: missense variant.
Genome position (GRCh38, 1-based): chr11:6,628,629, C>T on the plus strand (G>A on the coding strand, the complement: DCHS1 is on the minus strand). VCF-style: chr11-6628629-C-T. GRCh37 (hg19) VCF-style: chr11-6649860-C-T.
Other names: short protein forms R1788H.
Identifiers: ClinVar variation 1314435 (VCV001314435.5), dbSNP rs753184200, ClinGen allele CA5860114.
Genomic context (GRCh38, chr11:6,628,629, plus strand): 5'-CAAGAACCAGGCAAGTGGGTGCTGAATTAAGTGGGAGTGGGAAGGTTCTCACCTAGGATG[C>T]GGTACTGCAACTGCCCATTGGCTCCCACATCTGGATCAGAGGCCCGAAGCATGGTAAGGG-3'
Protein context (NP_003728.1, residues 1778-1798): DVGANGQLQY[Arg1788His]ILDGDPSGAF